The following is an entry in ClinVar:

NM_001079872.2(CUL4B):c.1807G>C (p.Ala603Pro)

Gene: CUL4B (cullin 4B; minus strand). Cytogenetic location: Xq24.
Variant type: single nucleotide variant.
Coding change: c.1807G>C on transcript NM_001079872.2 (MANE Select); coding-DNA position 1807, G replaced by C.
Protein change: p.Ala603Pro; replaces alanine 603 with proline.
Molecular consequence: missense variant.
Genome position (GRCh38, 1-based): chrX:120,538,705, C>G on the plus strand (G>C on the coding strand, the complement: CUL4B is on the minus strand). VCF-style: chrX-120538705-C-G. GRCh37 (hg19) VCF-style: chrX-119672560-C-G.
Other names: c.1822G>C, p.Ala608Pro (NM_001330624.2); c.1273G>C, p.Ala425Pro (NM_001369145.1); c.1861G>C, p.Ala621Pro (NM_003588.4); short protein forms A425P, A603P, A608P, A621P.
Identifiers: ClinVar variation 4075722 (VCV004075722.1).

ClinVar aggregate classification (germline): Uncertain significance (1 of 4 stars; one submission).

Submission:

GeneDx
Classification: Uncertain significance. Last evaluated: 2025-02-18. Review status: criteria provided, single submitter. Criteria: GeneDx Variant Classification Process June 2021. Collection method: clinical testing. Allele origin: germline. Affected: yes.
Comment: Not observed at significant frequency in large population cohorts (gnomAD); In silico analysis supports that this missense variant has a deleterious effect on protein structure/function; Has not been previously published as pathogenic or benign to our knowledge